The following is an entry in ClinVar:

NM_012431.3(SEMA3E):c.975dup (p.Phe326fs)

Gene: SEMA3E (semaphorin 3E; minus strand). Cytogenetic location: 7q21.11.
Variant type: Duplication.
Coding change: c.975dup on transcript NM_012431.3 (MANE Select); coding-DNA position 975, one base duplicated (A; older notation c.975dupA).
Protein change: p.Phe326fs; shifts the reading frame from phenylalanine 326.
Molecular consequence: frameshift variant.
Genome position (GRCh38, 1-based): chr7:83,405,473, T duplicated on the plus strand (A on the coding strand, the reverse complement: SEMA3E is on the minus strand). VCF-style (leftmost placement, unchanged base first): chr7-83405472-A-AT. GRCh37 (hg19) VCF-style: chr7-83034788-A-AT.
Other names: c.795dup, p.Phe266fs (NM_001178129.2); short protein forms F326fs, F266fs.
Identifiers: ClinVar variation 2802813 (VCV002802813.3), dbSNP rs1788310721, ClinGen allele CA1721678745.

ClinVar aggregate classification (germline): Uncertain significance (1 of 4 stars; one submission).

Conditions:
CHARGE syndrome (CHARGE). Also called: Hittner Hirsch Kreh syndrome; CHARGE ASSOCIATION--COLOBOMA, HEART ANOMALY, CHOANAL ATRESIA, RETARDATION, GENITAL AND EAR ANOMALIES; Coloboma, heart anomaly, choanal atresia, retardation, genital and ear anomalies; CHARGE association; Hall-Hittner syndrome. Identifiers: Orphanet 138, MedGen C0265354, MONDO:0008965.

Allele frequency attached by ClinVar (database versions not stated): TOPMed 0.00001.

Submission:

Labcorp Genetics (formerly Invitae), Labcorp
Classification: Uncertain significance for CHARGE syndrome. Last evaluated: 2025-03-26. Review status: criteria provided, single submitter. Criteria: Invitae Variant Classification Sherloc (09022015). Collection method: clinical testing. Allele origin: germline.
Comment: This sequence change creates a premature translational stop signal (p.Phe326Ilefs*5) in the SEMA3E gene. It is expected to result in an absent or disrupted protein product. However, the current clinical and genetic evidence is not sufficient to establish whether loss-of-function variants in SEMA3E cause disease. This variant is not present in population databases (gnomAD no frequency). This variant has not been reported in the literature in individuals affected with SEMA3E-related conditions. ClinVar contains an entry for this variant (Variation ID: 2802813). Algorithms developed to predict the effect of sequence changes on RNA splicing suggest that this variant may disrupt the consensus splice site. In summary, the available evidence is currently insufficient to determine the role of this variant in disease. Therefore, it has been classified as a Variant of Uncertain Significance.